The following is an entry in ClinVar:

NM_007294.4(BRCA1):c.460_467del (p.Val154fs)

Gene: BRCA1 (BRCA1 DNA repair associated; minus strand). Cytogenetic location: 17q21.31.
Variant type: Deletion.
Coding change: c.460_467del on transcript NM_007294.4 (MANE Select); coding-DNA positions 460 to 467, 8 bases deleted (GTCCAACT; older notation c.460_467delGTCCAACT).
Protein change: p.Val154fs; shifts the reading frame from valine 154.
Molecular consequence: frameshift variant. On other transcripts: non-coding transcript variant (1).
Genome position (GRCh38, 1-based): chr17:43,099,855-43,099,862, AGTTGGAC deleted on the plus strand (GTCCAACT on the coding strand, the reverse complement: BRCA1 is on the minus strand); deleting any 8 consecutive bases within chr17:43,099,855-43,099,863 gives the same sequence; the c. name uses the placement nearest the transcript's 3' end. VCF-style (leftmost placement, unchanged base first): chr17-43099854-GAGTTGGAC-G. GRCh37 (hg19) VCF-style: chr17-41251871-GAGTTGGAC-G.
Other names: c.460_467delGTCCAACT (NM_007294.3); c.318_325delTGTCCAAC, p.Val107Leufs (NM_001408455.1, NM_001408456.1, NM_001408457.1 and 60 more transcripts); c.315_322delTGTCCAAC, p.Val106Leufs (NM_001408462.1, NM_001408463.1, NM_001408464.1 and 35 more transcripts); c.459_466delTGTCCAAC, p.Val154Leufs (NM_001408472.1, NM_001408494.1, NM_007298.4 and 95 more transcripts); c.456_463delTGTCCAAC, p.Val153Leufs (NM_001408473.1, NM_001408495.1, NM_001407587.1 and 65 more transcripts); c.381_388delTGTCCAAC, p.Val128Leufs (NM_001408474.1, NM_001408476.1, NM_001407653.1 and 12 more transcripts); c.378_385delTGTCCAAC, p.Val127Leufs (NM_001408475.1, NM_001407659.1, NM_001407660.1 and 6 more transcripts); c.249_256delTGTCCAAC, p.Val84Leufs (NM_001408478.1, NM_001408479.1, NM_001408480.1 and 37 more transcripts); and 7 more; short protein forms V154fs, V107fs.
Identifiers: ClinVar variation 409363 (VCV000409363.11), dbSNP rs1060502362, ClinGen allele CA16615701.

ClinVar aggregate classification (germline): Pathogenic. Review status: reviewed by expert panel (3 of 4 stars). 2 submissions from 2 submitters: Pathogenic (1). 1 of the submissions does not count toward it. Last evaluated 2017-12-15.

Conditions:
Breast-ovarian cancer, familial, susceptibility to, 1 (BROVCA1). Also called: BRCA1 Hereditary Breast and Ovarian Cancer; OVARIAN CANCER, SUSCEPTIBILITY TO. Identifiers: Orphanet 145, MedGen C2676676, MONDO:0011450, OMIM 604370. Disease mechanism: loss of function.
Hereditary breast ovarian cancer syndrome. Also called: Hereditary breast and ovarian cancer syndrome; Breast and ovarian cancer; Hereditary breast and ovarian cancer syndrome (HBOC); Hereditary breast and/or ovarian cancer syndrome; BRCA1- and BRCA2-Associated Hereditary Breast and Ovarian Cancer; Hereditary breast and ovarian cancer. Identifiers: Orphanet 145, MedGen C0677776, MeSH D061325, MONDO:0003582. Disease mechanism: loss of function.

Submissions (2):

Evidence-based Network for the Interpretation of Germline Mutant Alleles (ENIGMA)
Classification: Pathogenic for Breast-ovarian cancer, familial, susceptibility to, 1. Last evaluated: 2017-12-15. Review status: reviewed by expert panel. Criteria: ENIGMA BRCA1/2 Classification Criteria (2017-06-29). Collection method: curation. Allele origin: germline. Study: ENIGMA.
Comment: Variant allele predicted to encode a truncated non-functional protein.

Labcorp Genetics (formerly Invitae), Labcorp
Classification: Pathogenic for Hereditary breast ovarian cancer syndrome. Last evaluated: 2016-07-21. Review status: criteria provided, single submitter. Criteria: Invitae Variant Classification Sherloc (09022015). Collection method: clinical testing. Allele origin: germline. Not counted in ClinVar's aggregate classification.
Comment: For these reasons, this variant has been classified as Pathogenic. While this particular variant has not been reported in the literature, loss-of-function variants in BRCA1 are known to be pathogenic (PMID: 20104584). This sequence change deletes 8 nucleotides from exon 7 of the BRCA1 mRNA (c.460_467delGTCCAACT), causing a frameshift at codon 154. This creates a premature translational stop signal (p.Val154Leufs*2) and is expected to result in an absent or disrupted protein product.

Literature cited by the submitters: PubMed 20104584 (cited by Labcorp Genetics (formerly Invitae), Labcorp).